The following is an entry in ClinVar:

ClinVar aggregate classification (germline): Benign (1 of 4 stars; one submission).

Allele frequency attached by ClinVar (database versions not stated): gnomAD 0.11212 and 0.10978.

Submission:

GeneDx
Classification: Benign. Last evaluated: 2018-06-14. Review status: criteria provided, single submitter. Criteria: GeneDx Variant Classification (06012015). Collection method: clinical testing. Allele origin: germline. Affected: yes.
Comment: This variant is considered likely benign or benign based on one or more of the following criteria: it is a conservative change, it occurs at a poorly conserved position in the protein, it is predicted to be benign by multiple in silico algorithms, and/or has population frequency not consistent with disease.

NM_000744.7(CHRNA4):c.384-213C>T

Gene: CHRNA4 (cholinergic receptor nicotinic alpha 4 subunit; minus strand). Cytogenetic location: 20q13.33.
Variant type: single nucleotide variant.
Coding change: c.384-213C>T on transcript NM_000744.7 (MANE Select); 213 bases into the intron before coding-DNA position 384, C replaced by T.
Molecular consequence: intron variant.
Genome position (GRCh38, 1-based): chr20:63,351,240, G>A on the plus strand (C>T on the coding strand, the complement: CHRNA4 is on the minus strand). VCF-style: chr20-63351240-G-A. GRCh37 (hg19) VCF-style: chr20-61982592-G-A.
Other names: c.-145-213C>T (NM_001256573.2).
Identifiers: ClinVar variation 679898 (VCV000679898.1), dbSNP rs79124348, ClinGen allele CA16587500.